The following is an entry in ClinVar:

NM_001267550.2(TTN):c.39089C>T (p.Ala13030Val)

Gene: TTN (titin; minus strand). Cytogenetic location: 2q31.2.
Variant type: single nucleotide variant.
Coding change: c.39089C>T on transcript NM_001267550.2 (MANE Select); coding-DNA position 39089, C replaced by T.
Protein change: p.Ala13030Val; replaces alanine 13030 with valine.
Molecular consequence: missense variant. On other transcripts: intron variant (3).
Genome position (GRCh38, 1-based): chr2:178,652,496, G>A on the plus strand (C>T on the coding strand, the complement: TTN is on the minus strand). VCF-style: chr2-178652496-G-A. GRCh37 (hg19) VCF-style: chr2-179517223-G-A.
Other names: c.34568C>T, p.Ala11523Val (NM_001256850.1); c.31787C>T, p.Ala10596Val (NM_133378.4); c.13283-10179C>T (NM_003319.4); c.13859-10179C>T (NM_133437.4); c.13658-10179C>T (NM_133432.3); c.39089C>T (NM_001267550.1); short protein forms A13030V, A11523V, A10596V.
Identifiers: ClinVar variation 467105 (VCV000467105.4), dbSNP rs747459623, ClinGen allele CA1996870.
Genomic context (GRCh38, chr2:178,652,496, plus strand): 5'-GCCTAAAATCAGTGACAAATACCTTTAACAGGTGTGACTTCAGGCTTTTTAGGAGGAGCC[G>A]CTGGCACTTTCTTTTCAGGAACAACTTCTTTCGGAGCCTCTGGCACTTAAAAGATATTAG-3'
Protein context (NP_001254479.2, residues 13020-13040): KEVVPEKKVP[Ala13030Val]APPKKPEVTP

ClinVar aggregate classification (germline): Uncertain significance. Review status: criteria provided, multiple submitters, no conflicts (2 of 4 stars). 2 submissions from 2 submitters: Uncertain significance (2). Last evaluated 2025-06-23.

Conditions:
Autosomal recessive limb-girdle muscular dystrophy type 2J (LGMDR10). Also called: Limb-girdle muscular dystrophy, type 2J; MUSCULAR DYSTROPHY, LIMB-GIRDLE, AUTOSOMAL RECESSIVE 10. Identifiers: Orphanet 140922, MedGen C1837342, MONDO:0012127, OMIM 608807.
Dilated cardiomyopathy 1G (CMD1G). Identifiers: Orphanet 154, MedGen C1858763, MONDO:0011400, OMIM 604145.

Allele frequency attached by ClinVar (database versions not stated): gnomAD 0.00001; gnomAD exomes 0.00002; ExAC 0.00003.

Submissions (2):

GeneDx
Classification: Uncertain significance. Last evaluated: 2025-06-23. Review status: criteria provided, single submitter. Criteria: GeneDx Variant Classification Process June 2021. Collection method: clinical testing. Allele origin: germline. Affected: yes.
Comment: Not observed at significant frequency in large population cohorts (gnomAD); Missense variant in a gene in which most reported pathogenic variants are truncating/loss of function; Has not been previously published as pathogenic or benign to our knowledge

Labcorp Genetics (formerly Invitae), Labcorp
Classification: Uncertain significance for Dilated cardiomyopathy 1G; Autosomal recessive limb-girdle muscular dystrophy type 2J. Last evaluated: 2017-08-11. Review status: criteria provided, single submitter. Criteria: Invitae Variant Classification Sherloc (09022015). Collection method: clinical testing. Allele origin: germline.